The following is an entry in ClinVar:

NM_012469.4(PRPF6):c.1181G>A (p.Arg394Gln)

Gene: PRPF6 (pre-mRNA processing factor 6; plus strand). Cytogenetic location: 20q13.33.
Variant type: single nucleotide variant.
Coding change: c.1181G>A on transcript NM_012469.4 (MANE Select); coding-DNA position 1181, G replaced by A.
Protein change: p.Arg394Gln; replaces arginine 394 with glutamine.
Molecular consequence: missense variant.
Genome position (GRCh38, 1-based): chr20:64,001,234, G>A. VCF-style: chr20-64001234-G-A. GRCh37 (hg19) VCF-style: chr20-62632587-G-A.
Other names: short protein forms R394Q.
Identifiers: ClinVar variation 3027111 (VCV003027111.22), dbSNP rs1369865859, ClinGen allele CA409721324.
Genomic context (GRCh38, chr20:64,001,234, plus strand): 5'-GGATTTACATCAGAGCCGCAGAGCTGGAAACGGACATTCGTGCAAAGAAGCGGGTTCTTC[G>A]GAAAGGTGAGCCTCCCTCGGAGGTGCTGCTTTCTCCCTCCTTGGGGCCCCTCCTCTCAGC-3'
Protein context (NP_036601.2, residues 384-404): TDIRAKKRVL[Arg394Gln]KALEHVPNSV

ClinVar aggregate classification (germline): Uncertain significance (1 of 4 stars; one submission).

Allele frequency attached by ClinVar (database versions not stated): gnomAD exomes below 0.00001.

Submission:

CeGaT Center for Human Genetics Tuebingen
Classification: Uncertain significance. Last evaluated: 2024-02-01. Review status: criteria provided, single submitter. Criteria: CeGaT Center For Human Genetics Tuebingen Variant Classification Criteria Version 2. Collection method: clinical testing. Allele origin: germline. Affected: yes. Observed: 1 variant allele.
Comment: PRPF6: PM2, PP2, BP5